The following is an entry in ClinVar:

NM_005902.4(SMAD3):c.170C>G (p.Thr57Arg)

Gene: SMAD3 (SMAD family member 3; plus strand). Cytogenetic location: 15q22.33.
Variant type: single nucleotide variant.
Coding change: c.170C>G on transcript NM_005902.4 (MANE Select); coding-DNA position 170, C replaced by G.
Protein change: p.Thr57Arg; replaces threonine 57 with arginine.
Molecular consequence: missense variant.
Genome position (GRCh38, 1-based): chr15:67,066,324, C>G. VCF-style: chr15-67066324-C-G. GRCh37 (hg19) VCF-style: chr15-67358662-C-G.
Other names: c.170C>G, p.Thr57Arg (NM_001407011.1, NM_001407012.1, NM_001407013.1); short protein forms T57R.
Identifiers: ClinVar variation 2627590 (VCV002627590.4), dbSNP rs1959915488, ClinGen allele CA393203048.
Genomic context (GRCh38, chr15:67,066,324, plus strand): 5'-GCCTGGTCAAGAAACTCAAGAAGACGGGGCAGCTGGACGAGCTGGAGAAGGCCATCACCA[C>G]GCAGAACGTCAACACCAAGTGCATCACCATCCCCAGGTGGGGGCCCGCCCGGGGGGGACC-3'
Protein context (NP_005893.1, residues 47-67): QLDELEKAIT[Thr57Arg]QNVNTKCITI

ClinVar aggregate classification (germline): Uncertain significance. Review status: criteria provided, multiple submitters, no conflicts (2 of 4 stars). 2 submissions from 2 submitters: Uncertain significance (2). Last evaluated 2025-03-12.

Conditions:
Aneurysm-osteoarthritis syndrome. Also called: SMAD3-Related Loeys-Dietz Syndrome; ANEURYSMS-OSTEOARTHRITIS SYNDROME; Loeys-Dietz syndrome, type 1C; LOEYS-DIETZ SYNDROME WITH OSTEOARTHRITIS. Identifiers: Orphanet 284984, MedGen C3151087, MONDO:0013426, OMIM 613795.

Submissions (2):

Institute of Human Genetics, University of Leipzig Medical Center
Classification: Uncertain significance for Aneurysm-osteoarthritis syndrome. Last evaluated: 2025-03-12. Review status: criteria provided, single submitter. Criteria: ACMG Guidelines, 2015. Collection method: clinical testing. Allele origin: unknown. Inheritance: Autosomal dominant inheritance. Affected: yes.
Comment: Criteria applied: PM2,PP2,PP4

Clinical Genetics Laboratory, Skane University Hospital Lund
Classification: Uncertain significance. Last evaluated: 2022-05-27. Review status: criteria provided, single submitter. Criteria: ACMG Guidelines, 2015. Collection method: clinical testing. Allele origin: germline. Affected: yes.